The following is an entry in ClinVar:

ClinVar aggregate classification (germline): Uncertain significance (1 of 4 stars; one submission).

Submission:

CeGaT Center for Human Genetics Tuebingen
Classification: Uncertain significance. Last evaluated: 2022-09-01. Review status: criteria provided, single submitter. Criteria: CeGaT Center For Human Genetics Tuebingen Variant Classification Criteria Version 2. Collection method: clinical testing. Allele origin: germline. Affected: yes. Observed: 1 variant allele.
Comment: SYNE2: PM2, BP4

NM_182914.3(SYNE2):c.11314A>G (p.Arg3772Gly)

Gene: SYNE2 (spectrin repeat containing nuclear envelope protein 2; plus strand). Cytogenetic location: 14q23.2.
Variant type: single nucleotide variant.
Coding change: c.11314A>G on transcript NM_182914.3 (MANE Select); coding-DNA position 11314, A replaced by G.
Protein change: p.Arg3772Gly; replaces arginine 3772 with glycine.
Molecular consequence: missense variant.
Genome position (GRCh38, 1-based): chr14:64,080,606, A>G. VCF-style: chr14-64080606-A-G. GRCh37 (hg19) VCF-style: chr14-64547324-A-G.
Other names: c.11314A>G, p.Arg3772Gly (NM_015180.6); short protein forms R3772G.
Identifiers: ClinVar variation 2644292 (VCV002644292.24), dbSNP rs2548606490, ClinGen allele CA389941935.